The following is an entry in ClinVar:

ClinVar aggregate classification (germline): Uncertain significance (1 of 4 stars; one submission).

Allele frequency attached by ClinVar (database versions not stated): TOPMed below 0.00001; ExAC 0.00001; gnomAD 0.00001; 1000 Genomes Project 30x 0.00016; 1000 Genomes Project 0.00020.
gnomAD v4.1: 8 of 1,613,928 alleles (0.0005%); highest among the groups gnomAD compares: Non-Finnish European, 0.00068%; no homozygotes.

Submission:

Labcorp Genetics (formerly Invitae), Labcorp
Classification: Uncertain significance. Last evaluated: 2022-05-10. Review status: criteria provided, single submitter. Criteria: Invitae Variant Classification Sherloc (09022015). Collection method: clinical testing. Allele origin: germline.
Comment: In summary, the available evidence is currently insufficient to determine the role of this variant in disease. Therefore, it has been classified as a Variant of Uncertain Significance. Algorithms developed to predict the effect of missense changes on protein structure and function (SIFT, PolyPhen-2, Align-GVGD) all suggest that this variant is likely to be disruptive. This variant has not been reported in the literature in individuals affected with SZT2-related conditions. This variant is present in population databases (rs185846754, gnomAD 0.002%). This sequence change replaces arginine, which is basic and polar, with tryptophan, which is neutral and slightly polar, at codon 3127 of the SZT2 protein (p.Arg3127Trp).

NM_001365999.1(SZT2):c.9550C>T (p.Arg3184Trp)

Genes: SZT2 (SZT2 subunit of KICSTOR complex; plus strand), SZT2-AS1 (SZT2 antisense RNA 1; minus strand). Cytogenetic location: 1p34.2.
Variant type: single nucleotide variant.
Coding change: c.9550C>T on transcript NM_001365999.1 (MANE Select); coding-DNA position 9550, C replaced by T.
Protein change: p.Arg3184Trp; replaces arginine 3184 with tryptophan.
Molecular consequence: missense variant.
Genome position (GRCh38, 1-based): chr1:43,447,958, C>T. VCF-style: chr1-43447958-C-T. GRCh37 (hg19) VCF-style: chr1-43913629-C-T.
Other names: c.9379C>T, p.Arg3127Trp (NM_015284.4); c.991C>T, p.Arg331Trp (NM_024547.1); short protein forms R331W, R3127W, R3184W.
Identifiers: ClinVar variation 2148758 (VCV002148758.4), dbSNP rs185846754, ClinGen allele CA810938.